The following is an entry in ClinVar:

ClinVar aggregate classification (germline): Likely pathogenic (1 of 4 stars; one submission).

Conditions:
Cardiovascular phenotype. Identifiers: MedGen CN230736.

Submission:

Ambry Genetics
Classification: Likely pathogenic for Cardiovascular phenotype. Last evaluated: 2024-04-10. Review status: criteria provided, single submitter. Criteria: Ambry Variant Classification Scheme 2023. Collection method: clinical testing. Allele origin: germline.
Comment: The c.435+1_435+97del97 variant results from a deletion of 97 nucleotides between positions c.435+1 and c.435+97 and involves the canonical splice donor site after coding exon 4 of the TECRL gene. The canonical splice donor site is highly conserved in available vertebrate species. In silico splice site analysis predicts that this alteration will weaken the native splice donor site and will result in the creation or strengthening of a novel splice donor site; however, the exact impact of this deletion on TECRL splicing and function is currently unknown. Alterations that disrupt the canonical splice site are expected to cause aberrant splicing, resulting in an abnormal protein or a transcript that is subject to nonsense-mediated mRNA decay. As such, this alteration is classified as likely pathogenic.

NM_001010874.5(TECRL):c.435+1_435+97del

Gene: TECRL (trans-2,3-enoyl-CoA reductase like; minus strand). Cytogenetic location: 4q13.1.
Variant type: Deletion.
Coding change: c.435+1_435+97del on transcript NM_001010874.5 (MANE Select); the canonical splice donor site of the intron after coding-DNA position 435 through 97 bases into the intron after coding-DNA position 435, 97 bases deleted.
Molecular consequence: splice donor variant.
Genome position (GRCh38, 1-based): chr4:64,322,592-64,322,688, 97 bases deleted. GRCh37 (hg19): chr4:65,188,313-65,188,409.
Other names: c.435+1_435+97del (NM_001363796.1).
Identifiers: ClinVar variation 3325210 (VCV003325210.1).